The following is an entry in ClinVar:

ClinVar aggregate classification (germline): Uncertain significance (1 of 4 stars; one submission).

Conditions:
Ataxia-telangiectasia syndrome (AT). Also called: Ataxia-telangiectasia, complementation group D; AT, COMPLEMENTATION GROUP C; Ataxia-telangiectasia; Ataxia telangiectasia (A-T); LOUIS-BAR SYNDROME; Cerebello-oculocutaneous telangiectasia. Identifiers: Orphanet 100, MedGen C0004135, MONDO:0008840, OMIM 208900.

Submission:

Labcorp Genetics (formerly Invitae), Labcorp
Classification: Uncertain significance for Ataxia-telangiectasia syndrome. Last evaluated: 2025-12-17. Review status: criteria provided, single submitter. Criteria: Invitae Variant Classification Sherloc (09022015). Collection method: clinical testing. Allele origin: germline.
Comment: This sequence change replaces alanine, which is neutral and non-polar, with glycine, which is neutral and non-polar, at codon 1812 of the ATM protein (p.Ala1812Gly). This variant is not present in population databases (gnomAD no frequency). This variant has not been reported in the literature in individuals affected with ATM-related conditions. Invitae Evidence Modeling of protein sequence and biophysical properties (such as structural, functional, and spatial information, amino acid conservation, physicochemical variation, residue mobility, and thermodynamic stability) indicates that this missense variant is not expected to disrupt ATM protein function with a negative predictive value of 95%. In summary, the available evidence is currently insufficient to determine the role of this variant in disease. Therefore, it has been classified as a Variant of Uncertain Significance.

NM_000051.4(ATM):c.5435C>G (p.Ala1812Gly)

Gene: ATM (ATM serine/threonine kinase; plus strand). Cytogenetic location: 11q22.3.
Variant type: single nucleotide variant.
Coding change: c.5435C>G on transcript NM_000051.4 (MANE Select); coding-DNA position 5435, C replaced by G.
Protein change: p.Ala1812Gly; replaces alanine 1812 with glycine.
Molecular consequence: missense variant.
Genome position (GRCh38, 1-based): chr11:108,302,968, C>G. VCF-style: chr11-108302968-C-G. GRCh37 (hg19) VCF-style: chr11-108173695-C-G.
Other names: c.5435C>G, p.Ala1812Gly (NM_001351834.2); short protein forms A1812G.
Identifiers: ClinVar variation 4747231 (VCV004747231.1).